The following is an entry in ClinVar:

NM_001242896.3(DEPDC5):c.2243C>G (p.Thr748Ser)

Gene: DEPDC5 (DEP domain containing 5, GATOR1 subcomplex subunit; plus strand). Cytogenetic location: 22q12.3.
Variant type: single nucleotide variant.
Coding change: c.2243C>G on transcript NM_001242896.3 (MANE Select); coding-DNA position 2243, C replaced by G.
Protein change: p.Thr748Ser; replaces threonine 748 with serine.
Molecular consequence: missense variant. On other transcripts: non-coding transcript variant (4).
Genome position (GRCh38, 1-based): chr22:31,837,044, C>G. VCF-style: chr22-31837044-C-G. GRCh37 (hg19) VCF-style: chr22-32233030-C-G.
Other names: c.2216C>G, p.Thr739Ser (NM_001136029.4, NM_001369903.1, NM_014662.6); c.2009C>G, p.Thr670Ser (NM_001242897.2, NM_001363854.2, NM_001364319.2); c.2243C>G, p.Thr748Ser (NM_001363852.2, NM_001364318.2, NM_001364320.2); c.2159C>G, p.Thr720Ser (NM_001369901.1, NM_001369902.1); short protein forms T670S, T748S, T720S, T739S.
Identifiers: ClinVar variation 588221 (VCV000588221.7), dbSNP rs1569060315, ClinGen allele CA411285331.

ClinVar aggregate classification (germline): Uncertain significance. Review status: criteria provided, multiple submitters, no conflicts (2 of 4 stars). 2 submissions from 2 submitters: Uncertain significance (2). Last evaluated 2026-06-03.

Conditions:
Inborn genetic diseases. Identifiers: MedGen C0950123, MeSH D030342.

Submissions (2):

GeneDx
Classification: Uncertain significance. Last evaluated: 2026-06-03. Review status: criteria provided, single submitter. Criteria: GeneDx Variant Classification Process June 2021. Collection method: clinical testing. Allele origin: germline.
Comment: Not observed at significant frequency in large population cohorts (gnomAD); In silico analysis supports that this missense variant has a deleterious effect on protein structure/function; Has not been previously published as pathogenic or benign to our knowledge

Ambry Genetics
Classification: Uncertain significance for Inborn genetic diseases. Last evaluated: 2016-09-02. Review status: criteria provided, single submitter. Criteria: Ambry Variant Classification Scheme 2023. Collection method: clinical testing. Allele origin: germline.
Comment: The p.T748S variant (also known as c.2243C>G), located in coding exon 25 of the DEPDC5 gene, results from a C to G substitution at nucleotide position 2243. The threonine at codon 748 is replaced by serine, an amino acid with similar properties. This variant was not reported in population based cohorts in the following databases: Database of Single Nucleotide Polymorphisms (dbSNP), NHLBI Exome Sequencing Project (ESP), and 1000 Genomes Project. In the ESP, this variant was not observed in 6203 samples (12406 alleles) with coverage at this position. This amino acid position is highly conserved in available vertebrate species. In addition, the in silico prediction for this alteration is inconclusive. Since supporting evidence is limited at this time, the clinical significance of this variant remains unclear.